The following is an entry in ClinVar:

NM_001985.3(ETFB):c.632C>A (p.Pro211His)

Gene: ETFB (electron transfer flavoprotein subunit beta; minus strand). Cytogenetic location: 19q13.41.
Variant type: single nucleotide variant.
Coding change: c.632C>A on transcript NM_001985.3 (MANE Select); coding-DNA position 632, C replaced by A.
Protein change: p.Pro211His; replaces proline 211 with histidine.
Molecular consequence: missense variant.
Genome position (GRCh38, 1-based): chr19:51,345,347, G>T on the plus strand (C>A on the coding strand, the complement: ETFB is on the minus strand). VCF-style: chr19-51345347-G-T. GRCh37 (hg19) VCF-style: chr19-51848601-G-T.
Other names: c.905C>A, p.Pro302His (NM_001014763.1); short protein forms P211H, P302H.
Identifiers: ClinVar variation 847047 (VCV000847047.10), dbSNP rs760907327, ClinGen allele CA9610693.

ClinVar aggregate classification (germline): Uncertain significance (1 of 4 stars; one submission).

Conditions:
Multiple acyl-CoA dehydrogenase deficiency (MADD). Also called: Glutaric aciduria, type 2; Glutaric Acidemia type 2; ETHYLMALONIC-ADIPICACIDURIA; GA II; Glutaric acidemia type II; GA 2. Identifiers: Orphanet 26791, MedGen C0268596, MONDO:0009282, OMIM 231680.

Allele frequency attached by ClinVar (database versions not stated): gnomAD exomes below 0.00001; ExAC 0.00001.

Submission:

Labcorp Genetics (formerly Invitae), Labcorp
Classification: Uncertain significance for Multiple acyl-CoA dehydrogenase deficiency. Last evaluated: 2024-02-24. Review status: criteria provided, single submitter. Criteria: Invitae Variant Classification Sherloc (09022015). Collection method: clinical testing. Allele origin: germline.
Comment: This sequence change replaces proline, which is neutral and non-polar, with histidine, which is basic and polar, at codon 211 of the ETFB protein (p.Pro211His). This variant is present in population databases (rs760907327, gnomAD 0.004%). This variant has not been reported in the literature in individuals affected with ETFB-related conditions. ClinVar contains an entry for this variant (Variation ID: 847047). Advanced modeling of protein sequence and biophysical properties (such as structural, functional, and spatial information, amino acid conservation, physicochemical variation, residue mobility, and thermodynamic stability) performed at Invitae indicates that this missense variant is expected to disrupt ETFB protein function with a positive predictive value of 80%. In summary, the available evidence is currently insufficient to determine the role of this variant in disease. Therefore, it has been classified as a Variant of Uncertain Significance.